The following is an entry in ClinVar:

ClinVar aggregate classification (germline): Benign/Likely benign. Review status: criteria provided, multiple submitters, no conflicts (2 of 4 stars). 6 submissions from 6 submitters: Benign (4); Likely benign (2). Last evaluated 2026-01-28.

Conditions:
PNPLA2-related disorder. Also called: PNPLA2-related condition.
Neutral lipid storage myopathy (NLSDM). Also called: NEUTRAL LIPID STORAGE DISEASE WITHOUT ICHTHYOSIS. Identifiers: Orphanet 98908, MedGen C1853136, MONDO:0012545, OMIM 610717.

Allele frequency attached by ClinVar (database versions not stated): ExAC 0.00018; gnomAD 0.00051; TOPMed 0.00078; gnomAD exomes 0.00087; 1000 Genomes Project 0.00100; 1000 Genomes Project 30x 0.00172.
gnomAD v4.1: 329 of 1,534,502 alleles (0.021%); highest among the groups gnomAD compares: East Asian, 0.64%; 2 homozygotes.

Submissions (6):

Labcorp Genetics (formerly Invitae), Labcorp
Classification: Benign for Neutral lipid storage myopathy. Last evaluated: 2026-01-28. Review status: criteria provided, single submitter. Criteria: Invitae Variant Classification Sherloc (09022015). Collection method: clinical testing. Allele origin: germline.

PreventionGenetics, part of Exact Sciences
Classification: Benign for PNPLA2-related condition. Last evaluated: 2025-04-23. Review status: criteria provided, single submitter. Criteria: ACMG Guidelines, 2015. Collection method: clinical testing. Allele origin: germline.
Comment: This variant is classified as benign based on ACMG/AMP sequence variant interpretation guidelines (Richards et al. 2015 PMID: 25741868, with internal and published modifications).

Blueprint Genetics
Classification: Likely benign. Last evaluated: 2024-11-26. Review status: criteria provided, single submitter. Criteria: ACMG Guidelines, 2015. Collection method: clinical testing. Allele origin: germline.

CeGaT Center for Human Genetics Tuebingen
Classification: Likely benign. Last evaluated: 2023-01-01. Review status: criteria provided, single submitter. Criteria: CeGaT Center For Human Genetics Tuebingen Variant Classification Criteria Version 2. Collection method: clinical testing. Allele origin: germline. Affected: yes. Observed: 1 variant allele.
Comment: PNPLA2: BS1

Illumina Laboratory Services, Illumina
Classification: Benign for Neutral lipid storage myopathy. Last evaluated: 2018-01-12. Review status: criteria provided, single submitter. Criteria: ICSL Variant Classification Criteria 13 December 2019. Collection method: clinical testing. Allele origin: germline.
Comment: This variant was observed in the ICSL laboratory as part of a predisposition screen in an ostensibly healthy population. It had not been previously curated by ICSL or reported in the Human Gene Mutation Database (HGMD: prior to June 1st, 2018), and was therefore a candidate for classification through an automated scoring system. Utilizing variant allele frequency, disease prevalence and penetrance estimates, and inheritance mode, an automated score was calculated to assess if this variant is too frequent to cause the disease. Based on the score and internal cut-off values, a variant classified as benign is not then subjected to further curation. The score for this variant resulted in a classification of benign for this disease.

Breakthrough Genomics
Classification: Benign. Review status: criteria provided, single submitter. Criteria: ACMG Guidelines, 2015. Collection method: not provided. Allele origin: germline. Inheritance: Autosomal recessive inheritance. Affected: yes.

NM_020376.4(PNPLA2):c.1466G>T (p.Ser489Ile)

Gene: PNPLA2 (patatin like domain 2, triacylglycerol lipase; plus strand). Cytogenetic location: 11p15.5.
Variant type: single nucleotide variant.
Coding change: c.1466G>T on transcript NM_020376.4 (MANE Select); coding-DNA position 1466, G replaced by T.
Protein change: p.Ser489Ile; replaces serine 489 with isoleucine.
Molecular consequence: missense variant.
Genome position (GRCh38, 1-based): chr11:824,813, G>T. VCF-style: chr11-824813-G-T. GRCh37 (hg19) VCF-style: chr11-824813-G-T.
Other names: short protein forms S489I.
Identifiers: ClinVar variation 306308 (VCV000306308.46), dbSNP rs201573098, ClinGen allele CA5791423.
Genomic context (GRCh38, chr11:824,813, plus strand): 5'-CCGCCCCCGCGGACCCAGCATCCCCGCAGCACCAGCTGGCCGGGCCTGCCCCCTTGCTGA[G>T]CACCCCTGCTCCCGAGGCCCGGCCCGTGATCGGGGCCCTGGGGCTGTGAGACCCCGACCC-3'
Protein context (NP_065109.1, residues 479-499): HQLAGPAPLL[Ser489Ile]TPAPEARPVI